The following is an entry in ClinVar:

ClinVar aggregate classification (germline): Uncertain significance. Review status: criteria provided, multiple submitters, no conflicts (2 of 4 stars). 3 submissions from 3 submitters: Uncertain significance (3). Last evaluated 2025-02-19.

Allele frequency attached by ClinVar (database versions not stated): TOPMed 0.00002.
gnomAD v4.1: 5 of 1,609,270 alleles (0.00031%); highest among the groups gnomAD compares: Middle Eastern, 0.017%; no homozygotes.

Submissions (3):

Mayo Clinic Laboratories, Mayo Clinic
Classification: Uncertain significance. Last evaluated: 2025-02-19. Review status: criteria provided, single submitter. Criteria: ACMG Guidelines, 2015. Collection method: clinical testing. Allele origin: germline. Observed: 1 variant allele.
Comment: BP4, PM2_supporting

Labcorp Genetics (formerly Invitae), Labcorp
Classification: Uncertain significance. Last evaluated: 2023-11-03. Review status: criteria provided, single submitter. Criteria: Invitae Variant Classification Sherloc (09022015). Collection method: clinical testing. Allele origin: germline.
Comment: This sequence change replaces alanine, which is neutral and non-polar, with valine, which is neutral and non-polar, at codon 1148 of the AP3D1 protein (p.Ala1148Val). The frequency data for this variant in the population databases is considered unreliable, as metrics indicate poor data quality at this position in the gnomAD database. This variant has not been reported in the literature in individuals affected with AP3D1-related conditions. ClinVar contains an entry for this variant (Variation ID: 808420). An algorithm developed to predict the effect of missense changes on protein structure and function (PolyPhen-2) suggests that this variant is likely to be tolerated. In summary, the available evidence is currently insufficient to determine the role of this variant in disease. Therefore, it has been classified as a Variant of Uncertain Significance.

CeGaT Center for Human Genetics Tuebingen
Classification: Uncertain significance. Last evaluated: 2018-02-01. Review status: criteria provided, single submitter. Criteria: CeGaT Center For Human Genetics Tuebingen Variant Classification Criteria Version 2. Collection method: clinical testing. Allele origin: germline. Affected: yes. Observed: 1 variant allele.

NM_001261826.3(AP3D1):c.3443C>T (p.Ala1148Val)

Gene: AP3D1 (adaptor related protein complex 3 subunit delta 1; minus strand). Cytogenetic location: 19p13.3.
Variant type: single nucleotide variant.
Coding change: c.3443C>T on transcript NM_001261826.3 (MANE Select); coding-DNA position 3443, C replaced by T.
Protein change: p.Ala1148Val; replaces alanine 1148 with valine.
Molecular consequence: missense variant.
Genome position (GRCh38, 1-based): chr19:2,109,115, G>A on the plus strand (C>T on the coding strand, the complement: AP3D1 is on the minus strand). VCF-style: chr19-2109115-G-A. GRCh37 (hg19) VCF-style: chr19-2109114-G-A.
Other names: p.Ala1148Val; c.3407C>T, p.Ala1136Val (NM_001374799.1); c.3257C>T, p.Ala1086Val (NM_003938.8); short protein forms A1148V, A1086V, A1136V.
Identifiers: ClinVar variation 808420 (VCV000808420.45), dbSNP rs756651834, ClinGen allele CA9058391.